The following is an entry in ClinVar:

NM_153212.3(GJB4):c.98T>C (p.Val33Ala)

Gene: GJB4 (gap junction protein beta 4; plus strand). Cytogenetic location: 1p34.3.
Variant type: single nucleotide variant.
Coding change: c.98T>C on transcript NM_153212.3 (MANE Select); coding-DNA position 98, T replaced by C.
Protein change: p.Val33Ala; replaces valine 33 with alanine.
Molecular consequence: missense variant.
Genome position (GRCh38, 1-based): chr1:34,761,352, T>C. VCF-style: chr1-34761352-T-C. GRCh37 (hg19) VCF-style: chr1-35226953-T-C.
Other names: c.98T>C (NM_153212.2); short protein forms V33A.
Identifiers: ClinVar variation 2173776 (VCV002173776.5), dbSNP rs747837235, ClinGen allele CA754472.

ClinVar aggregate classification (germline): Uncertain significance. Review status: criteria provided, multiple submitters, no conflicts (2 of 4 stars). 2 submissions from 2 submitters: Uncertain significance (2). Last evaluated 2025-08-07.

Conditions:
Inborn genetic diseases. Identifiers: MedGen C0950123, MeSH D030342.

Allele frequency attached by ClinVar (database versions not stated): ExAC 0.00001; gnomAD 0.00001; gnomAD exomes 0.00001; TOPMed 0.00001.

Submissions (2):

Ambry Genetics
Classification: Uncertain significance for Inborn genetic diseases. Last evaluated: 2025-08-07. Review status: criteria provided, single submitter. Criteria: Ambry Variant Classification Scheme 2023. Collection method: clinical testing. Allele origin: germline.

Labcorp Genetics (formerly Invitae), Labcorp
Classification: Uncertain significance. Last evaluated: 2022-10-05. Review status: criteria provided, single submitter. Criteria: Invitae Variant Classification Sherloc (09022015). Collection method: clinical testing. Allele origin: germline.
Comment: In summary, the available evidence is currently insufficient to determine the role of this variant in disease. Therefore, it has been classified as a Variant of Uncertain Significance. Advanced modeling of protein sequence and biophysical properties (such as structural, functional, and spatial information, amino acid conservation, physicochemical variation, residue mobility, and thermodynamic stability) performed at Invitae indicates that this missense variant is not expected to disrupt GJB4 protein function. This variant has not been reported in the literature in individuals affected with GJB4-related conditions. This variant is present in population databases (rs747837235, gnomAD 0.004%). This sequence change replaces valine, which is neutral and non-polar, with alanine, which is neutral and non-polar, at codon 33 of the GJB4 protein (p.Val33Ala).